The following is an entry in ClinVar:

NM_000426.4(LAMA2):c.1710T>G (p.Ser570Arg)

Gene: LAMA2 (laminin subunit alpha 2; plus strand). Cytogenetic location: 6q22.33.
Variant type: single nucleotide variant.
Coding change: c.1710T>G on transcript NM_000426.4 (MANE Select); coding-DNA position 1710, T replaced by G.
Protein change: p.Ser570Arg; replaces serine 570 with arginine.
Molecular consequence: missense variant.
Genome position (GRCh38, 1-based): chr6:129,192,781, T>G. VCF-style: chr6-129192781-T-G. GRCh37 (hg19) VCF-style: chr6-129513926-T-G.
Other names: c.1710T>G, p.Ser570Arg (NM_001079823.2); short protein forms S570R.
Identifiers: ClinVar variation 1386143 (VCV001386143.5), dbSNP rs2115037052, ClinGen allele CA365608300.
Genomic context (GRCh38, chr6:129,192,781, plus strand): 5'-CCGCATTCGAGTGGCTCCCCAGCAGGACGACTTGGACTCACCTCAGCAGATCAGCATCAG[T>G]AACGCGGAGGCCCGGCAAGCCCTGCCGCACAGCTACTACTGGAGCGCGCCGGCTCCCTAT-3'
Protein context (NP_000417.3, residues 560-580): DLDSPQQISI[Ser570Arg]NAEARQALPH

ClinVar aggregate classification (germline): Uncertain significance (1 of 4 stars; one submission).

Conditions:
LAMA2-related muscular dystrophy (LAMA2-RD). Also called: Laminin alpha 2-related dystrophy. Identifiers: MedGen C5679788, MONDO:0100228.

Submission:

Labcorp Genetics (formerly Invitae), Labcorp
Classification: Uncertain significance for LAMA2-related muscular dystrophy. Last evaluated: 2022-07-19. Review status: criteria provided, single submitter. Criteria: Invitae Variant Classification Sherloc (09022015). Collection method: clinical testing. Allele origin: germline.
Comment: This sequence change replaces serine, which is neutral and polar, with arginine, which is basic and polar, at codon 570 of the LAMA2 protein (p.Ser570Arg). This variant is not present in population databases (gnomAD no frequency). This variant has not been reported in the literature in individuals affected with LAMA2-related conditions. ClinVar contains an entry for this variant (Variation ID: 1386143). Advanced modeling of protein sequence and biophysical properties (such as structural, functional, and spatial information, amino acid conservation, physicochemical variation, residue mobility, and thermodynamic stability) performed at Invitae indicates that this missense variant is not expected to disrupt LAMA2 protein function. In summary, the available evidence is currently insufficient to determine the role of this variant in disease. Therefore, it has been classified as a Variant of Uncertain Significance.